The following is an entry in ClinVar:

ClinVar aggregate classification (germline): Uncertain significance (1 of 4 stars; one submission).

Conditions:
KMT2D-related disorder. Also called: KMT2D-Related Disorders.

Allele frequency attached by ClinVar (database versions not stated): gnomAD exomes below 0.00001.
gnomAD v4.1: 4 of 1,550,446 alleles (0.00026%); highest among the groups gnomAD compares: Non-Finnish European, 0.00035%; no homozygotes.

Submission:

PreventionGenetics, part of Exact Sciences
Classification: Uncertain significance for KMT2D-related condition. Last evaluated: 2023-01-06. Review status: criteria provided, single submitter. Criteria: ACMG Guidelines, 2015. Collection method: clinical testing. Allele origin: germline.
Comment: The KMT2D c.11545G>A variant is predicted to result in the amino acid substitution p.Gly3849Arg. To our knowledge, this variant has not been reported in the literature or in a large population database, indicating this variant is rare. At this time, the clinical significance of this variant is uncertain due to the absence of conclusive functional and genetic evidence.

NM_003482.4(KMT2D):c.11545G>A (p.Gly3849Arg)

Gene: KMT2D (lysine methyltransferase 2D; minus strand). Cytogenetic location: 12q13.12.
Variant type: single nucleotide variant.
Coding change: c.11545G>A on transcript NM_003482.4 (MANE Select); coding-DNA position 11545, G replaced by A.
Protein change: p.Gly3849Arg; replaces glycine 3849 with arginine.
Molecular consequence: missense variant.
Genome position (GRCh38, 1-based): chr12:49,033,160, C>T on the plus strand (G>A on the coding strand, the complement: KMT2D is on the minus strand). VCF-style: chr12-49033160-C-T. GRCh37 (hg19) VCF-style: chr12-49426943-C-T.
Other names: short protein forms G3849R.
Identifiers: ClinVar variation 2636822 (VCV002636822.1), dbSNP rs1943039209, ClinGen allele CA384717751.